The following is an entry in ClinVar:

NM_018082.6(POLR3B):c.1285T>G (p.Phe429Val)

Gene: POLR3B (RNA polymerase III subunit B; plus strand). Cytogenetic location: 12q23.3.
Variant type: single nucleotide variant.
Coding change: c.1285T>G on transcript NM_018082.6 (MANE Select); coding-DNA position 1285, T replaced by G.
Protein change: p.Phe429Val; replaces phenylalanine 429 with valine.
Molecular consequence: missense variant.
Genome position (GRCh38, 1-based): chr12:106,430,294, T>G. VCF-style: chr12-106430294-T-G. GRCh37 (hg19) VCF-style: chr12-106824072-T-G.
Other names: c.1111T>G, p.Phe371Val (NM_001160708.2); short protein forms F371V, F429V.
Identifiers: ClinVar variation 1300550 (VCV001300550.2), dbSNP rs2137001936, ClinGen allele CA386388918.
Genomic context (GRCh38, chr12:106,430,294, plus strand): 5'-TGGGTTAGGAATAGTCTTATGTCTTTCATCTCCCTACAGGGAAATTGGTCTTTAAAGAGA[T>G]TTAAAATGGACCGCCAGGGTGTAACCCAAGTGCTGTCTCGCTTGTCATATATATCCGCAC-3'
Protein context (NP_060552.4, residues 419-439): ISTGNWSLKR[Phe429Val]KMDRQGVTQV

ClinVar aggregate classification (germline): Pathogenic (1 of 4 stars; one submission).

Submission:

GeneDx
Classification: Pathogenic. Last evaluated: 2021-09-28. Review status: criteria provided, single submitter. Criteria: GeneDx Variant Classification Process June 2021. Collection method: clinical testing. Allele origin: germline. Affected: yes.
Comment: Not observed at significant frequency in large population cohorts (Lek et al., 2016); In silico analysis supports that this missense variant has a deleterious effect on protein structure/function; Has not been previously published as pathogenic or benign to our knowledge